The following is an entry in ClinVar:

ClinVar aggregate classification (germline): Uncertain significance (1 of 4 stars; one submission).

Submission:

Labcorp Genetics (formerly Invitae), Labcorp
Classification: Uncertain significance. Last evaluated: 2025-06-12. Review status: criteria provided, single submitter. Criteria: Invitae Variant Classification Sherloc (09022015). Collection method: clinical testing. Allele origin: germline.
Comment: This sequence change replaces alanine, which is neutral and non-polar, with serine, which is neutral and polar, at codon 534 of the HDAC4 protein (p.Ala534Ser). This variant is present in population databases (rs186738996, gnomAD 0.007%). This variant has not been reported in the literature in individuals affected with HDAC4-related conditions. ClinVar contains an entry for this variant (Variation ID: 3635630). Invitae Evidence Modeling of protein sequence and biophysical properties (such as structural, functional, and spatial information, amino acid conservation, physicochemical variation, residue mobility, and thermodynamic stability) indicates that this missense variant is not expected to disrupt HDAC4 protein function with a negative predictive value of 80%. In summary, the available evidence is currently insufficient to determine the role of this variant in disease. Therefore, it has been classified as a Variant of Uncertain Significance.

NM_001378414.1(HDAC4):c.1615G>T (p.Ala539Ser)

Gene: HDAC4 (histone deacetylase 4; minus strand). Cytogenetic location: 2q37.3.
Variant type: single nucleotide variant.
Coding change: c.1615G>T on transcript NM_001378414.1 (MANE Select); coding-DNA position 1615, G replaced by T.
Protein change: p.Ala539Ser; replaces alanine 539 with serine.
Molecular consequence: missense variant.
Genome position (GRCh38, 1-based): chr2:239,115,229, C>A on the plus strand (G>T on the coding strand, the complement: HDAC4 is on the minus strand). VCF-style: chr2-239115229-C-A. GRCh37 (hg19) VCF-style: chr2-240036925-C-A.
Other names: c.1615G>T, p.Ala539Ser (NM_001378415.1); c.1600G>T, p.Ala534Ser (NM_001378416.1, NM_001378417.1, NM_006037.4); short protein forms A534S, A539S.
Identifiers: ClinVar variation 3635630 (VCV003635630.2).